The following is an entry in ClinVar:

ClinVar aggregate classification (germline): Likely pathogenic (1 of 4 stars; one submission).

Conditions:
Developmental and epileptic encephalopathy, 1 (DEE1). Also called: X-linked infantile spasms; West's syndrome; Tonic spasms with clustering, arrest of psychomotor development and hypsarrhythmia on EEG; X-Linked Infantile Spasm Syndrome; OHTAHARA SYNDROME, X-LINKED; Epileptic encephalopathy, early infantile, 1. Identifiers: MedGen C3463992, MONDO:0010632, OMIM 308350. Disease mechanism: loss of function.
Autosomal recessive spinocerebellar ataxia 12. Also called: SPINOCEREBELLAR ATAXIA WITH MENTAL RETARDATION AND EPILEPSY. Identifiers: Orphanet 284282, MedGen C3280452, MONDO:0013687, OMIM 614322.

Submission:

Labcorp Genetics (formerly Invitae), Labcorp
Classification: Likely pathogenic for Developmental and epileptic encephalopathy, 1; Autosomal recessive spinocerebellar ataxia 12. Last evaluated: 2024-11-19. Review status: criteria provided, single submitter. Criteria: Invitae Variant Classification Sherloc (09022015). Collection method: clinical testing. Allele origin: germline.
Comment: This variant results in the deletion of part of exon 1 (c.66_107+82delinsC) of the WWOX gene. It is expected to disrupt RNA splicing. Variants that disrupt the donor or acceptor splice site typically lead to a loss of protein function (PMID: 16199547), and loss-of-function variants in WWOX are known to be pathogenic (PMID: 24456803, 25411445). This variant is not present in population databases (gnomAD no frequency). This variant has not been reported in the literature in individuals affected with WWOX-related conditions. In summary, the currently available evidence indicates that the variant is pathogenic, but additional data are needed to prove that conclusively. Therefore, this variant has been classified as Likely Pathogenic.

Literature cited by the submitters: PubMed 16199547; PubMed 24456803; PubMed 25411445.

NM_016373.4(WWOX):c.66_107+82delinsC

Gene: WWOX (WW domain containing oxidoreductase; plus strand). Cytogenetic location: 16q23.1.
Variant type: Indel.
Coding change: c.66_107+82delinsC on transcript NM_016373.4 (MANE Select); coding-DNA position 66 through 82 bases into the intron after coding-DNA position 107, the reference bases replaced by C.
Molecular consequence: splice donor variant. On other transcripts: non-coding transcript variant (2).
Genome position (GRCh38, 1-based): chr16:78,099,844-78,099,967, 124 bases replaced. GRCh37 (hg19): chr16:78,133,741-78,133,864.
Other names: c.-209_-168+82delinsC (NM_001291997.2); c.66_107+82delinsC (NM_130791.5).
Identifiers: ClinVar variation 3756670 (VCV003756670.2).